The following is an entry in ClinVar:

ClinVar aggregate classification (germline): Uncertain significance (1 of 4 stars; one submission).

Conditions:
Hereditary cancer-predisposing syndrome. Also called: Neoplastic Syndromes, Hereditary; Hereditary Cancer Syndrome; Tumor predisposition; Hereditary neoplastic syndrome. Identifiers: Orphanet 140162, MedGen C0027672, MeSH D009386, MONDO:0015356.

Submission:

Ambry Genetics
Classification: Uncertain significance for Hereditary cancer-predisposing syndrome. Last evaluated: 2025-02-13. Review status: criteria provided, single submitter. Criteria: Ambry Variant Classification Scheme 2023. Collection method: clinical testing. Allele origin: germline.
Comment: The p.R195K variant (also known as c.584G>A), located in coding exon 5 of the POT1 gene, results from a G to A substitution at nucleotide position 584. The arginine at codon 195 is replaced by lysine, an amino acid with highly similar properties. This amino acid position is conserved. In addition, this alteration is predicted to be tolerated by in silico analysis. Based on the available evidence, the clinical significance of this variant remains unclear.

NM_015450.3(POT1):c.584G>A (p.Arg195Lys)

Gene: POT1 (protection of telomeres 1; minus strand). Cytogenetic location: 7q31.33.
Variant type: single nucleotide variant.
Coding change: c.584G>A on transcript NM_015450.3 (MANE Select); coding-DNA position 584, G replaced by A.
Protein change: p.Arg195Lys; replaces arginine 195 with lysine.
Molecular consequence: missense variant. On other transcripts: non-coding transcript variant (3).
Genome position (GRCh38, 1-based): chr7:124,859,075, C>T on the plus strand (G>A on the coding strand, the complement: POT1 is on the minus strand). VCF-style: chr7-124859075-C-T. GRCh37 (hg19) VCF-style: chr7-124499129-C-T.
Other names: c.191G>A, p.Arg64Lys (NM_001042594.2); short protein forms R195K, R64K.
Identifiers: ClinVar variation 3782007 (VCV003782007.1).